The following is an entry in ClinVar:

NM_007126.5(VCP):c.-1C>T

Gene: VCP (valosin containing protein; minus strand). Cytogenetic location: 9p13.3.
Variant type: single nucleotide variant.
Coding change: c.-1C>T on transcript NM_007126.5 (MANE Select); 1 bases upstream of the start codon, C replaced by T.
Molecular consequence: 5 prime UTR variant.
Genome position (GRCh38, 1-based): chr9:35,072,354, G>A on the plus strand (C>T on the coding strand, the complement: VCP is on the minus strand). VCF-style: chr9-35072354-G-A. GRCh37 (hg19) VCF-style: chr9-35072351-G-A.
Other names: c.-196C>T (NM_001354927.2); c.-716C>T (NM_001354928.2).
Identifiers: ClinVar variation 3390782 (VCV003390782.1).
Genomic context (GRCh38, chr9:35,072,354, plus strand): 5'-GGTGCGCGCCGCCGCAGCAAGCGAACGGCGCGCGCACACTCACTCGGCTCCAGAAGCCAT[G>A]GCGCGCGCCTCTCCCGGCCGGCGGCTGTGGCGGCCCGCGGGTAACGGCTACGAGCGGTGG-3'

ClinVar aggregate classification (germline): Uncertain significance (1 of 4 stars; one submission).

gnomAD v4.1: 11 of 1,481,366 alleles (0.00074%); highest among the groups gnomAD compares: East Asian, 0.017%; no homozygotes.

Submission:

GeneDx
Classification: Uncertain significance. Last evaluated: 2024-06-12. Review status: criteria provided, single submitter. Criteria: GeneDx Variant Classification Process June 2021. Collection method: clinical testing. Allele origin: germline. Affected: yes.
Comment: Not observed at significant frequency in large population cohorts (gnomAD); Has not been previously published as pathogenic or benign to our knowledge; Alters the Kozak sequence, which plays a major role in the initiation of translation